The following is an entry in ClinVar:

NM_001112741.2(KCNC1):c.512G>A (p.Arg171His)

Gene: KCNC1 (potassium voltage-gated channel subfamily C member 1; plus strand). Cytogenetic location: 11p15.1.
Variant type: single nucleotide variant.
Coding change: c.512G>A on transcript NM_001112741.2 (MANE Select); coding-DNA position 512, G replaced by A.
Protein change: p.Arg171His; replaces arginine 171 with histidine.
Molecular consequence: missense variant.
Genome position (GRCh38, 1-based): chr11:17,736,514, G>A. VCF-style: chr11-17736514-G-A. GRCh37 (hg19) VCF-style: chr11-17758061-G-A.
Other names: c.512G>A, p.Arg171His (NM_004976.4); short protein forms R171H.
Identifiers: ClinVar variation 1952055 (VCV001952055.6), dbSNP rs774525216, ClinGen allele CA379801886.

ClinVar aggregate classification (germline): Uncertain significance. Review status: criteria provided, multiple submitters, no conflicts (2 of 4 stars). 2 submissions from 2 submitters: Uncertain significance (2). Last evaluated 2025-07-09.

Conditions:
Progressive myoclonic epilepsy type 7. Identifiers: Orphanet 435438, MedGen C4015420, MONDO:0014521, OMIM 616187.

Allele frequency attached by ClinVar (database versions not stated): gnomAD 0.00001.

Submissions (2):

Labcorp Genetics (formerly Invitae), Labcorp
Classification: Uncertain significance for Progressive myoclonic epilepsy type 7. Last evaluated: 2025-07-09. Review status: criteria provided, single submitter. Criteria: Invitae Variant Classification Sherloc (09022015). Collection method: clinical testing. Allele origin: germline.
Comment: This sequence change replaces arginine, which is basic and polar, with histidine, which is basic and polar, at codon 171 of the KCNC1 protein (p.Arg171His). This variant is present in population databases (no rsID available, gnomAD 0.003%). This variant has not been reported in the literature in individuals affected with KCNC1-related conditions. ClinVar contains an entry for this variant (Variation ID: 1952055). Invitae Evidence Modeling of protein sequence and biophysical properties (such as structural, functional, and spatial information, amino acid conservation, physicochemical variation, residue mobility, and thermodynamic stability) indicates that this missense variant is not expected to disrupt KCNC1 protein function with a negative predictive value of 80%. In summary, the available evidence is currently insufficient to determine the role of this variant in disease. Therefore, it has been classified as a Variant of Uncertain Significance.

Laboratorio de Genetica e Diagnostico Molecular, Hospital Israelita Albert Einstein
Classification: Uncertain significance for Progressive myoclonic epilepsy type 7. Last evaluated: 2024-01-29. Review status: criteria provided, single submitter. Criteria: ACMG Guidelines, 2015. Collection method: clinical testing. Allele origin: germline. Affected: yes.
Comment: ACMG classification criteria: PM2 supporting, PP2 supporting